The following is an entry in ClinVar:

NM_020975.6(RET):c.2040C>G (p.Ala680=)

Gene: RET (ret proto-oncogene; plus strand). Cytogenetic location: 10q11.21.
Variant type: single nucleotide variant.
Coding change: c.2040C>G on transcript NM_020975.6 (MANE Select); coding-DNA position 2040, C replaced by G.
Protein change: p.Ala680=; no amino-acid change (alanine 680 retained).
Molecular consequence: synonymous variant.
Genome position (GRCh38, 1-based): chr10:43,114,640, C>G. VCF-style: chr10-43114640-C-G. GRCh37 (hg19) VCF-style: chr10-43610088-C-G.
Other names: c.2040C>G, p.Ala680= (NM_001406760.1, NM_000323.2, NM_001406743.1 and 4 more transcripts); c.1911C>G, p.Ala637= (NM_001406761.1, NM_001406762.1, NM_001406764.1); c.1905C>G, p.Ala635= (NM_001406763.1, NM_001406765.1); c.1752C>G, p.Ala584= (NM_001406766.1, NM_001406767.1, NM_001406770.1); c.1776C>G, p.Ala592= (NM_001406768.1); c.1644C>G, p.Ala548= (NM_001406769.1, NM_001406772.1); c.1278C>G, p.Ala426= (NM_001355216.2); c.1602C>G, p.Ala534= (NM_001406771.1, NM_001406773.1); and 10 more.
Identifiers: ClinVar variation 1564243 (VCV001564243.11), dbSNP rs1336334127, ClinGen allele CA469479903.

ClinVar aggregate classification (germline): Likely benign. Review status: criteria provided, multiple submitters, no conflicts (2 of 4 stars). 3 submissions from 3 submitters: Likely benign (3). Last evaluated 2024-03-31.

Conditions:
Hereditary cancer-predisposing syndrome. Also called: Tumor predisposition; Hereditary Cancer Syndrome; Hereditary neoplastic syndrome; Neoplastic Syndromes, Hereditary. Identifiers: Orphanet 140162, MedGen C0027672, MeSH D009386, MONDO:0015356.
Multiple endocrine neoplasia, type 2 (MEN2). Identifiers: Orphanet 653, MedGen C4048306, MONDO:0019003. Disease mechanism: gain of function.

Allele frequency attached by ClinVar (database versions not stated): TOPMed below 0.00001; gnomAD 0.00001.
gnomAD v4.1: 2 of 1,612,942 alleles (0.00012%); highest among the groups gnomAD compares: African/African-American, 0.0027%; no homozygotes.

Submissions (3):

Ambry Genetics
Classification: Likely benign for Hereditary cancer-predisposing syndrome. Last evaluated: 2024-03-31. Review status: criteria provided, single submitter. Criteria: Ambry Variant Classification Scheme 2023. Collection method: clinical testing. Allele origin: germline.

All of Us Research Program, National Institutes of Health
Classification: Likely benign for Multiple endocrine neoplasia, type 2. Last evaluated: 2023-08-15. Review status: criteria provided, single submitter. Criteria: ACMG Guidelines, 2015. Collection method: clinical testing. Allele origin: germline. Inheritance: Autosomal dominant inheritance. Observed: 1 variant allele, 1 heterozygote.
Comment: This study involves interpretation of variants in research participants for the purpose of population health screening. Participant phenotype was not available at the time of variant classification. Additional details can be found in publication PMID: 35346344, PMCID: PMC8962531

Labcorp Genetics (formerly Invitae), Labcorp
Classification: Likely benign for Multiple endocrine neoplasia, type 2. Last evaluated: 2023-05-27. Review status: criteria provided, single submitter. Criteria: Invitae Variant Classification Sherloc (09022015). Collection method: clinical testing. Allele origin: germline.